The following is an entry in ClinVar:

ClinVar aggregate classification (germline): Uncertain significance (1 of 4 stars; one submission).

Submission:

Labcorp Genetics (formerly Invitae), Labcorp
Classification: Uncertain significance. Last evaluated: 2025-12-17. Review status: criteria provided, single submitter. Criteria: Invitae Variant Classification Sherloc (09022015). Collection method: clinical testing. Allele origin: germline.
Comment: This variant, c.2020_2022del, results in the deletion of 1 amino acid(s) of the BPTF protein (p.Lys674del), but otherwise preserves the integrity of the reading frame. This variant is present in population databases (no rsID available, gnomAD 0.005%). This variant has not been reported in the literature in individuals affected with BPTF-related conditions. Experimental studies and prediction algorithms are not available or were not evaluated, and the functional significance of this variant is currently unknown. In summary, the available evidence is currently insufficient to determine the role of this variant in disease. Therefore, it has been classified as a Variant of Uncertain Significance.

NM_182641.4(BPTF):c.1864+691_1864+693del

Gene: BPTF (bromodomain PHD finger transcription factor; plus strand). Cytogenetic location: 17q24.2.
Variant type: Microsatellite.
Coding change: c.1864+691_1864+693del on transcript NM_182641.4 (MANE Select); bases 691 to 693 of the intron after coding-DNA position 1864, 3 bases deleted (AAG; older notation c.1864+691_1864+693delAAG).
Molecular consequence: intron variant. On other transcripts: inframe deletion (6).
Genome position (GRCh38, 1-based): chr17:67,875,711-67,875,713, AAG deleted; deleting any 3 consecutive bases within chr17:67,875,706-67,875,713 gives the same sequence; the c. name uses the placement nearest the transcript's 3' end. VCF-style (leftmost placement, unchanged base first): chr17-67875705-GAGA-G. GRCh37 (hg19) VCF-style: chr17-65871821-GAGA-G.
Other names: c.2017AAG[1], p.Lys674del (NM_001439139.1, NM_001439140.1, NM_001439141.1 and 3 more transcripts); c.1864+691_1864+693del (NM_001439143.1); short protein forms K674del.
Identifiers: ClinVar variation 4710211 (VCV004710211.1).